The following is an entry in ClinVar:

ClinVar aggregate classification (germline): Benign. Review status: criteria provided, multiple submitters, no conflicts (2 of 4 stars). 4 submissions from 4 submitters: Benign (4). Last evaluated 2021-07-30.

Conditions:
Congenital myasthenic syndrome 5. Identifiers: Orphanet 590, MedGen C1864233, MONDO:0011281, OMIM 603034.

Allele frequency attached by ClinVar (database versions not stated): 1000 Genomes Project 0.47963; gnomAD exomes 0.43501 and 0.42792; gnomAD 0.46616 and 0.46320; ExAC 0.43139; ESP Exome Variant Server 0.47401; TOPMed 0.47406; 1000 Genomes Project 30x 0.48017.
gnomAD v4.1: 706,878 of 1,611,564 alleles (44%); highest among the groups gnomAD compares: African/African-American, 56%; 157,029 homozygotes.

Submissions (4):

Genome-Nilou Lab
Classification: Benign for Congenital myasthenic syndrome 5. Last evaluated: 2021-07-30. Review status: criteria provided, single submitter. Criteria: ACMG Guidelines, 2015. Collection method: clinical testing. Allele origin: germline. Affected: no.

GeneDx
Classification: Benign. Last evaluated: 2018-06-19. Review status: criteria provided, single submitter. Criteria: GeneDx Variant Classification (06012015). Collection method: clinical testing. Allele origin: germline. Affected: yes.
Comment: This variant is considered likely benign or benign based on one or more of the following criteria: it is a conservative change, it occurs at a poorly conserved position in the protein, it is predicted to be benign by multiple in silico algorithms, and/or has population frequency not consistent with disease.

Breakthrough Genomics
Classification: Benign. Review status: criteria provided, single submitter. Criteria: ACMG Guidelines, 2015. Collection method: not provided. Allele origin: germline. Inheritance: Autosomal recessive inheritance. Affected: yes.

PreventionGenetics, part of Exact Sciences
Classification: Benign. Review status: criteria provided, single submitter. Criteria: ACMG Guidelines, 2015. Collection method: clinical testing. Allele origin: germline.

NM_005677.4(COLQ):c.600+40G>A

Gene: COLQ (collagen like tail subunit of asymmetric acetylcholinesterase; minus strand). Cytogenetic location: 3p25.1.
Variant type: single nucleotide variant.
Coding change: c.600+40G>A on transcript NM_005677.4 (MANE Select); 40 bases into the intron after coding-DNA position 600, G replaced by A.
Molecular consequence: intron variant.
Genome position (GRCh38, 1-based): chr3:15,474,188, C>T on the plus strand (G>A on the coding strand, the complement: COLQ is on the minus strand). VCF-style: chr3-15474188-C-T. GRCh37 (hg19) VCF-style: chr3-15515695-C-T.
Other names: c.498+40G>A (NM_080539.4); c.570+40G>A (NM_080538.2).
Identifiers: ClinVar variation 259862 (VCV000259862.6), dbSNP rs2305616, ClinGen allele CA2276080.